The following is an entry in ClinVar:

ClinVar aggregate classification (germline): Uncertain significance (1 of 4 stars; one submission).

Submission:

Labcorp Genetics (formerly Invitae), Labcorp
Classification: Uncertain significance. Last evaluated: 2024-08-13. Review status: criteria provided, single submitter. Criteria: Invitae Variant Classification Sherloc (09022015). Collection method: clinical testing. Allele origin: germline.
Comment: This sequence change replaces alanine, which is neutral and non-polar, with threonine, which is neutral and polar, at codon 13 of the CHCHD2 protein (p.Ala13Thr). This variant is not present in population databases (gnomAD no frequency). This variant has not been reported in the literature in individuals affected with CHCHD2-related conditions. Experimental studies and prediction algorithms are not available or were not evaluated, and the functional significance of this variant is currently unknown. In summary, the available evidence is currently insufficient to determine the role of this variant in disease. Therefore, it has been classified as a Variant of Uncertain Significance.

NM_016139.4(CHCHD2):c.37G>A (p.Ala13Thr)

Genes: CHCHD2 (coiled-coil-helix-coiled-coil-helix domain containing 2; minus strand), LOC129998502 (ATAC-STARR-seq lymphoblastoid active region 26053; plus strand). Cytogenetic location: 7p11.2.
Variant type: single nucleotide variant.
Coding change: c.37G>A on transcript NM_016139.4 (MANE Select); coding-DNA position 37, G replaced by A.
Protein change: p.Ala13Thr; replaces alanine 13 with threonine.
Molecular consequence: missense variant.
Genome position (GRCh38, 1-based): chr7:56,106,377, C>T on the plus strand (G>A on the coding strand, the complement: CHCHD2 is on the minus strand). VCF-style: chr7-56106377-C-T. GRCh37 (hg19) VCF-style: chr7-56174070-C-T.
Other names: c.37G>A, p.Ala13Thr (NM_001320327.2); short protein forms A13T.
Identifiers: ClinVar variation 3612077 (VCV003612077.2).